The following is an entry in ClinVar:

NM_001378454.1(ALMS1):c.2764C>T (p.Leu922=)

Gene: ALMS1 (ALMS1 centrosome and basal body associated protein; plus strand). Cytogenetic location: 2p13.1.
Variant type: single nucleotide variant.
Coding change: c.2764C>T on transcript NM_001378454.1 (MANE Select); coding-DNA position 2764, C replaced by T.
Protein change: p.Leu922=; no amino-acid change (leucine 922 retained).
Molecular consequence: synonymous variant.
Genome position (GRCh38, 1-based): chr2:73,449,291, C>T. VCF-style: chr2-73449291-C-T. GRCh37 (hg19) VCF-style: chr2-73676418-C-T.
Other names: c.2767C>T, p.Leu923= (NM_015120.4).
Identifiers: ClinVar variation 240991 (VCV000240991.33), dbSNP rs143885319, ClinGen allele CA1713412.

ClinVar aggregate classification (germline): Benign/Likely benign. Review status: criteria provided, multiple submitters, no conflicts (2 of 4 stars). 12 submissions from 12 submitters: Benign (7); Likely benign (2). 3 of the submissions do not count toward it. Last evaluated 2026-05-01.

Conditions:
Cardiovascular phenotype. Identifiers: MedGen CN230736.
Alstrom syndrome (ALMS). Identifiers: Orphanet 64, MedGen C0268425, MONDO:0008763, OMIM 203800.

Allele frequency attached by ClinVar (database versions not stated): gnomAD exomes 0.00039; TOPMed 0.00465; gnomAD 0.00467; ESP Exome Variant Server 0.00482; 1000 Genomes Project 0.00579; 1000 Genomes Project 30x 0.00609.
gnomAD v4.1: 1,278 of 1,613,850 alleles (0.079%); highest among the groups gnomAD compares: African/African-American, 1.5%; 6 homozygotes.

Submissions (12):

CeGaT Center for Human Genetics Tuebingen
Classification: Likely benign. Last evaluated: 2026-05-01. Review status: criteria provided, single submitter. Criteria: CeGaT Center For Human Genetics Tuebingen Variant Classification Criteria Version 2. Collection method: clinical testing. Allele origin: germline. Affected: yes. Observed: 3 variant alleles.
Comment: ALMS1: BP4, BP7, BS1

Labcorp Genetics (formerly Invitae), Labcorp
Classification: Benign for Alstrom syndrome. Last evaluated: 2026-02-02. Review status: criteria provided, single submitter. Criteria: Invitae Variant Classification Sherloc (09022015). Collection method: clinical testing. Allele origin: germline.

Blueprint Genetics
Classification: Likely benign. Last evaluated: 2024-11-25. Review status: criteria provided, single submitter. Criteria: ACMG Guidelines, 2015. Collection method: clinical testing. Allele origin: germline.

ARUP Laboratories, Molecular Genetics and Genomics, ARUP Laboratories
Classification: Benign for Alstrom syndrome. Last evaluated: 2024-07-22. Review status: criteria provided, single submitter. Criteria: ARUP Molecular Germline Variant Investigation Process 2024. Collection method: clinical testing. Allele origin: germline.

GeneDx
Classification: Benign. Last evaluated: 2019-08-12. Review status: criteria provided, single submitter. Criteria: GeneDx Variant Classification Process June 2021. Collection method: clinical testing. Allele origin: germline. Affected: yes.
Comment: This variant is associated with the following publications: (PMID: 25296579)

Ambry Genetics
Classification: Benign for Cardiovascular phenotype. Last evaluated: 2018-12-26. Review status: criteria provided, single submitter. Criteria: Ambry Variant Classification Scheme 2023. Collection method: clinical testing. Allele origin: germline.

Laboratory for Molecular Medicine, Mass General Brigham Personalized Medicine
Classification: Benign. Last evaluated: 2016-03-21. Review status: criteria provided, single submitter. Criteria: LMM Criteria. Collection method: clinical testing. Allele origin: germline. Observed: 1 variant allele.
Comment: p.Leu921Leu in exon 8 of ALMS1: This variant is not expected to have clinical si gnificance because it does not alter an amino acid residue, is not located withi n the splice consensus sequence, and has been identified in 1.77% (170/9612) of African chromosomes by the Exome Aggregation Consortium (ExAC; dbSNP rs143885319).

Women's Health and Genetics/Laboratory Corporation of America, LabCorp
Classification: Benign. Last evaluated: 2013-12-17. Review status: criteria provided, single submitter. Criteria: LabCorp Variant Classification Summary - May 2015. Collection method: clinical testing. Allele origin: germline.

Breakthrough Genomics
Classification: Benign. Review status: criteria provided, single submitter. Criteria: ACMG Guidelines, 2015. Collection method: not provided. Allele origin: germline. Inheritance: Autosomal recessive inheritance. Affected: yes.

Natera, Inc.
Classification: Likely benign for Alstrom syndrome. Last evaluated: 2019-12-02. Review status: no assertion criteria provided. Collection method: clinical testing. Allele origin: germline. Not counted in ClinVar's aggregate classification.

Clinical Genetics, Academic Medical Center
Classification: Benign. Review status: no assertion criteria provided. Collection method: clinical testing. Allele origin: germline. Affected: yes. Study: VKGL Data-share Consensus. Not counted in ClinVar's aggregate classification.

Genome Diagnostics Laboratory, University Medical Center Utrecht
Classification: Benign. Review status: no assertion criteria provided. Collection method: clinical testing. Allele origin: germline. Affected: yes. Study: VKGL Data-share Consensus. Not counted in ClinVar's aggregate classification.